The following is an entry in ClinVar:

ClinVar aggregate classification (germline): Uncertain significance (1 of 4 stars; one submission).

Allele frequency attached by ClinVar (database versions not stated): gnomAD exomes below 0.00001.
gnomAD v4.1: 1 of 1,607,902 alleles (0.000062%); highest among the groups gnomAD compares: Non-Finnish European, 0.000085%; no homozygotes.

Submission:

Labcorp Genetics (formerly Invitae), Labcorp
Classification: Uncertain significance. Last evaluated: 2020-06-23. Review status: criteria provided, single submitter. Criteria: Invitae Variant Classification Sherloc (09022015). Collection method: clinical testing. Allele origin: germline.
Comment: This variant is not present in population databases (ExAC no frequency). This sequence change replaces threonine with isoleucine at codon 530 of the PROM1 protein (p.Thr530Ile). The threonine residue is highly conserved and there is a moderate physicochemical difference between threonine and isoleucine. This variant has not been reported in the literature in individuals with PROM1-related conditions. In summary, the available evidence is currently insufficient to determine the role of this variant in disease. Therefore, it has been classified as a Variant of Uncertain Significance. Algorithms developed to predict the effect of missense changes on protein structure and function are either unavailable or do not agree on the potential impact of this missense change (SIFT: "Tolerated"; PolyPhen-2: "Probably Damaging"; Align-GVGD: "Class C0").

NM_006017.3(PROM1):c.1589C>T (p.Thr530Ile)

Gene: PROM1 (prominin 1; minus strand). Cytogenetic location: 4p15.32.
Variant type: single nucleotide variant.
Coding change: c.1589C>T on transcript NM_006017.3 (MANE Select); coding-DNA position 1589, C replaced by T.
Protein change: p.Thr530Ile; replaces threonine 530 with isoleucine.
Molecular consequence: missense variant.
Genome position (GRCh38, 1-based): chr4:15,998,478, G>A on the plus strand (C>T on the coding strand, the complement: PROM1 is on the minus strand). VCF-style: chr4-15998478-G-A. GRCh37 (hg19) VCF-style: chr4-16000101-G-A.
Other names: c.1562C>T, p.Thr521Ile (NM_001145847.2, NM_001145848.2, NM_001145851.2 and 4 more transcripts); c.1589C>T, p.Thr530Ile (NM_001145849.2, NM_001145850.2); short protein forms T521I, T530I.
Identifiers: ClinVar variation 1017061 (VCV001017061.8), dbSNP rs1722873448, ClinGen allele CA356432074.